The following is an entry in ClinVar:

ClinVar aggregate classification (germline): Uncertain significance. Review status: criteria provided, multiple submitters, no conflicts (2 of 4 stars). 2 submissions from 2 submitters: Uncertain significance (2). Last evaluated 2024-10-08.

Submissions (2):

Labcorp Genetics (formerly Invitae), Labcorp
Classification: Uncertain significance. Last evaluated: 2024-10-08. Review status: criteria provided, single submitter. Criteria: Invitae Variant Classification Sherloc (09022015). Collection method: clinical testing. Allele origin: germline.
Comment: This sequence change replaces leucine, which is neutral and non-polar, with phenylalanine, which is neutral and non-polar, at codon 228 of the IDH3B protein (p.Leu228Phe). This variant is not present in population databases (gnomAD no frequency). This variant has not been reported in the literature in individuals affected with IDH3B-related conditions. ClinVar contains an entry for this variant (Variation ID: 852310). Invitae Evidence Modeling of protein sequence and biophysical properties (such as structural, functional, and spatial information, amino acid conservation, physicochemical variation, residue mobility, and thermodynamic stability) indicates that this missense variant is not expected to disrupt IDH3B protein function with a negative predictive value of 80%. Algorithms developed to predict the effect of sequence changes on RNA splicing suggest that this variant may create or strengthen a splice site. In summary, the available evidence is currently insufficient to determine the role of this variant in disease. Therefore, it has been classified as a Variant of Uncertain Significance.

Blueprint Genetics
Classification: Uncertain significance. Last evaluated: 2024-05-09. Review status: criteria provided, single submitter. Criteria: ACMG Guidelines, 2015. Collection method: clinical testing. Allele origin: germline.

NM_006899.5(IDH3B):c.684G>T (p.Leu228Phe)

Gene: IDH3B (isocitrate dehydrogenase (NAD(+)) 3 non-catalytic subunit beta; minus strand). Cytogenetic location: 20p13.
Variant type: single nucleotide variant.
Coding change: c.684G>T on transcript NM_006899.5 (MANE Select); coding-DNA position 684, G replaced by T.
Protein change: p.Leu228Phe; replaces leucine 228 with phenylalanine.
Molecular consequence: missense variant. On other transcripts: non-coding transcript variant (1).
Genome position (GRCh38, 1-based): chr20:2,660,347, C>A on the plus strand (G>T on the coding strand, the complement: IDH3B is on the minus strand). VCF-style: chr20-2660347-C-A. GRCh37 (hg19) VCF-style: chr20-2640993-C-A.
Other names: c.684G>T, p.Leu228Phe (NM_001258384.3, NM_001330763.2, NM_174855.4); short protein forms L228F.
Identifiers: ClinVar variation 852310 (VCV000852310.9), dbSNP rs143110856, ClinGen allele CA408036696.